The following is an entry in ClinVar:

NM_000212.3(ITGB3):c.59T>C (p.Leu20Pro)

Gene: ITGB3 (integrin subunit beta 3; plus strand). Cytogenetic location: 17q21.32.
Variant type: single nucleotide variant.
Coding change: c.59T>C on transcript NM_000212.3 (MANE Select); coding-DNA position 59, T replaced by C.
Protein change: p.Leu20Pro; replaces leucine 20 with proline.
Molecular consequence: missense variant.
Genome position (GRCh38, 1-based): chr17:47,253,920, T>C. VCF-style: chr17-47253920-T-C. GRCh37 (hg19) VCF-style: chr17-45331286-T-C.
Other names: NM_000212.3:c.59T>C; short protein forms L20P.
Identifiers: ClinVar variation 1691472 (VCV001691472.4), dbSNP rs2149057083, ClinGen allele CA400028389.

ClinVar aggregate classification (germline): Uncertain significance. Review status: reviewed by expert panel (3 of 4 stars). 2 submissions from 2 submitters: Uncertain significance (1). 1 of the submissions does not count toward it. Last evaluated 2025-03-06.

Conditions:
Glanzmann thrombasthenia. Also called: PLATELET GLYCOPROTEIN IIb-IIIa DEFICIENCY; Glanzmann's thrombasthenia; BLEEDING DISORDER, PLATELET-TYPE, 2; THROMBASTHENIA OF GLANZMANN AND NAEGELI; Thrombasthenia. Identifiers: Orphanet 849, MedGen C0040015, MONDO:0100326.

Submissions (2):

ClinGen Platelet Disorders Variant Curation Expert Panel, ClinGen
Classification: Uncertain significance for Glanzmann thrombasthenia. Last evaluated: 2025-03-06. Review status: reviewed by expert panel. Criteria: ClinGen Platelet ACMG Specifications v2-1. Collection method: curation. Allele origin: germline. Inheritance: Autosomal recessive inheritance.
Comment: The NM_000212.3:c.59T>C variant in ITGB3 is a missense variant predicted to cause substitution of leucine by proline at amino acid 20 (p.Leu20Pro). This variant has been observed in homozygosity in one individual (GT10 in PMID: 19691478) (PM3_Supporting). This individual displayed mucocutaneous bleeding and impaired aggregation with all agonists except ristocetin, which is highly specific for Glanzmann thrombasthenia (PP4_Moderate). The highest population minor allele frequency in gnomAD v4.1 is 0.00001460 (1/68502alleles) in the South Asian genetic ancestry group, which is lower than the ClinGen PD VCEP threshold (<0.0001; PM2_Supporting). In summary, due to insufficient evidence, this variant is classified as a variant of uncertain significance for autosomal recessive Glanzmann Thrombasthenia based on the ACMG/AMP criteria applied, as specified by the ClinGen PD-VCEP: PM2_Supporting, PM3_Supporting, PP4_Moderate. (VCEP specifications version 2)

Women's Health and Genetics/Laboratory Corporation of America, LabCorp
Classification: Uncertain significance. Last evaluated: 2025-03-19. Review status: criteria provided, single submitter. Criteria: LabCorp Variant Classification Summary - May 2015. Collection method: clinical testing. Allele origin: germline. Not counted in ClinVar's aggregate classification.
Comment: Variant summary: ITGB3 c.59T>C (p.Leu20Pro) results in a non-conservative amino acid change in the encoded protein sequence. Three of five in-silico tools predict a damaging effect of the variant on protein function. The frequency data for this variant in gnomAD is considered unreliable, as metrics indicate poor data quality at this position. c.59T>C has been reported in the literature in individuals affected with Glanzmann Thrombasthenia 2. These data indicate that the variant may be associated with disease. To our knowledge, no experimental evidence demonstrating an impact on protein function has been reported. The following publication has been ascertained in the context of this evaluation (PMID: 19691478). ClinVar contains an entry for this variant (Variation ID: 1691472). Based on the evidence outlined above, the variant was classified as VUS-possibly pathogenic.

Literature cited by the submitters: PubMed 19691478 (cited by Women's Health and Genetics/Laboratory Corporation of America, LabCorp).